The following is an entry in ClinVar:

NM_006329.4(FBLN5):c.224T>C (p.Val75Ala)

Gene: FBLN5 (fibulin 5; minus strand). Cytogenetic location: 14q32.12.
Variant type: single nucleotide variant.
Coding change: c.224T>C on transcript NM_006329.4 (MANE Select); coding-DNA position 224, T replaced by C.
Protein change: p.Val75Ala; replaces valine 75 with alanine.
Molecular consequence: missense variant.
Genome position (GRCh38, 1-based): chr14:91,937,102, A>G on the plus strand (T>C on the coding strand, the complement: FBLN5 is on the minus strand). VCF-style: chr14-91937102-A-G. GRCh37 (hg19) VCF-style: chr14-92403446-A-G.
Other names: c.347T>C, p.Val116Ala (NM_001384158.1); c.275T>C, p.Val92Ala (NM_001384159.1); c.224T>C, p.Val75Ala (NM_001384160.1); c.56T>C, p.Val19Ala (NM_001384161.1, NM_001384162.1); short protein forms V75A, V116A, V19A, V92A.
Identifiers: ClinVar variation 314881 (VCV000314881.24), dbSNP rs145108467, ClinGen allele CA7312906.
Genomic context (GRCh38, chr14:91,937,102, plus strand): 5'-GCTGCTGGGTACGGACCTGAGTAGGGGGTCGAGTAGGGGTTCGAGTAGGGCCCTCGATAC[A>G]CAGGGTTTGTCCGGGGAATGCATAAATACCCGCCATTTTGGTTAACACACATCATGTCTC-3'
Protein context (NP_006320.2, residues 65-85): GYLCIPRTNP[Val75Ala]YRGPYSNPYS

ClinVar aggregate classification (germline): Conflicting classifications of pathogenicity. Review status: criteria provided, conflicting classifications (1 of 4 stars). 11 submissions from 11 submitters: Uncertain significance (3); Likely benign (5). 3 of the submissions do not count toward it. Last evaluated 2026-05-01.

Conditions:
Inborn genetic diseases. Identifiers: MedGen C0950123, MeSH D030342.
Retinal dystrophy. Also called: Inherited retinal dystrophy. Identifiers: Orphanet 71862, MedGen C0854723, MeSH D058499, MONDO:0019118, HP:0000556.

Allele frequency attached by ClinVar (database versions not stated): gnomAD 0.00007 and 0.00008; ExAC 0.00008; TOPMed 0.00008; gnomAD exomes 0.00012; 1000 Genomes Project 30x 0.00016; 1000 Genomes Project 0.00020.
gnomAD v4.1: 187 of 1,614,074 alleles (0.012%); highest among the groups gnomAD compares: Middle Eastern, 0.36%; 2 homozygotes.

Submissions (11):

CeGaT Center for Human Genetics Tuebingen
Classification: Likely benign. Last evaluated: 2026-05-01. Review status: criteria provided, single submitter. Criteria: CeGaT Center For Human Genetics Tuebingen Variant Classification Criteria Version 2. Collection method: clinical testing. Allele origin: germline. Affected: yes. Observed: 1 variant allele.
Comment: FBLN5: BS2

Molecular Diagnostic Laboratory for Inherited Cardiovascular Disease, Montreal Heart Institute
Classification: Likely benign. Last evaluated: 2026-03-27. Review status: criteria provided, single submitter. Criteria: ACMG Guidelines, 2015. Collection method: clinical testing. Allele origin: germline. Affected: no.
Comment: BS1

Labcorp Genetics (formerly Invitae), Labcorp
Classification: Uncertain significance. Last evaluated: 2026-01-26. Review status: criteria provided, single submitter. Criteria: Invitae Variant Classification Sherloc (09022015). Collection method: clinical testing. Allele origin: germline.
Comment: This sequence change replaces valine, which is neutral and non-polar, with alanine, which is neutral and non-polar, at codon 75 of the FBLN5 protein (p.Val75Ala). This variant is present in population databases (rs145108467, gnomAD 0.02%). This variant has not been reported in the literature in individuals affected with FBLN5-related conditions. ClinVar contains an entry for this variant (Variation ID: 314881). An algorithm developed to predict the effect of missense changes on protein structure and function (PolyPhen-2) suggests that this variant is likely to be tolerated. In summary, the available evidence is currently insufficient to determine the role of this variant in disease. Therefore, it has been classified as a Variant of Uncertain Significance.

Mayo Clinic Laboratories, Mayo Clinic
Classification: Likely benign. Last evaluated: 2025-03-10. Review status: criteria provided, single submitter. Criteria: ACMG Guidelines, 2015. Collection method: clinical testing. Allele origin: germline. Observed: 3 variant alleles.

Blueprint Genetics
Classification: Likely benign. Last evaluated: 2024-10-15. Review status: criteria provided, single submitter. Criteria: ACMG Guidelines, 2015. Collection method: clinical testing. Allele origin: germline.

Ambry Genetics
Classification: Uncertain significance for Inborn genetic diseases. Last evaluated: 2021-10-22. Review status: criteria provided, single submitter. Criteria: Ambry Variant Classification Scheme 2023. Collection method: clinical testing. Allele origin: germline.

GeneDx
Classification: Likely benign. Last evaluated: 2020-01-10. Review status: criteria provided, single submitter. Criteria: GeneDx Variant Classification Process June 2021. Collection method: clinical testing. Allele origin: germline. Affected: yes.

Laboratory for Molecular Medicine, Mass General Brigham Personalized Medicine
Classification: Uncertain significance. Last evaluated: 2016-06-07. Review status: criteria provided, single submitter. Criteria: LMM Criteria. Collection method: clinical testing. Allele origin: germline. Observed: 1 variant allele.
Comment: The p.Val75Ala variant in FBLN5 has not been previously reported in individuals with pulmonary disease, but has been identified in 7/66730 European chromosomes by the Exome Aggregation Consortium (ExAC; dbSNP rs145108467). Computational prediction tools and conservation analyses do not p rovide strong support for or against an impact to the protein. In summary, the c linical significance of the p.Val75Ala variant is uncertain.

Institute of Human Genetics, Univ. Regensburg, Univ. Regensburg
Classification: Uncertain significance for Retinal dystrophy. Last evaluated: 2023-01-01. Review status: no assertion criteria provided. Criteria: ACMG Guidelines, 2015. Collection method: clinical testing. Allele origin: germline. Affected: yes. Not counted in ClinVar's aggregate classification.

Clinical Genetics, Academic Medical Center
Classification: Uncertain significance. Review status: no assertion criteria provided. Collection method: clinical testing. Allele origin: germline. Affected: yes. Study: VKGL Data-share Consensus. Not counted in ClinVar's aggregate classification.

Joint Genome Diagnostic Labs from Nijmegen and Maastricht, Radboudumc and MUMC+
Classification: Uncertain significance. Review status: no assertion criteria provided. Collection method: clinical testing. Allele origin: germline. Affected: yes. Study: VKGL Data-share Consensus. Not counted in ClinVar's aggregate classification.